The following is an entry in ClinVar:

ClinVar aggregate classification (germline): Benign/Likely benign. Review status: criteria provided, multiple submitters, no conflicts (2 of 4 stars). 14 submissions from 14 submitters: Benign (8); Likely benign (3). 3 of the submissions do not count toward it. Last evaluated 2026-02-04.

Conditions:
Purine-nucleoside phosphorylase deficiency. Also called: NUCLEOSIDE PHOSPHORYLASE DEFICIENCY; Immunodeficiency due to purine nucleoside phosphorylase deficiency. Identifiers: Orphanet 760, MedGen C0268125, MONDO:0013171, OMIM 613179.
PNP POLYMORPHISM.

Allele frequency attached by ClinVar (database versions not stated): gnomAD exomes 0.19139; ExAC 0.19196; 1000 Genomes Project 30x 0.20456; gnomAD 0.20465 and 0.20682; 1000 Genomes Project 0.20467; TOPMed 0.21266.

Submissions (14):

Labcorp Genetics (formerly Invitae), Labcorp
Classification: Benign for Purine-nucleoside phosphorylase deficiency. Last evaluated: 2026-02-04. Review status: criteria provided, single submitter. Criteria: Invitae Variant Classification Sherloc (09022015). Collection method: clinical testing. Allele origin: germline.

Blueprint Genetics
Classification: Likely benign. Last evaluated: 2024-11-27. Review status: criteria provided, single submitter. Criteria: ACMG Guidelines, 2015. Collection method: clinical testing. Allele origin: germline.

Unidad de Genómica Garrahan, Hospital de Pediatría Garrahan
Classification: Benign. Last evaluated: 2024-01-24. Review status: criteria provided, single submitter. Criteria: ACMG Guidelines, 2015. Collection method: clinical testing. Allele origin: germline. Affected: no. Observed: 34 variant alleles.
Comment: This variant is classified as Benign based on local population frequency. This variant was detected in 36% of patients studied by a panel of primary immunodeficiencies. Number of patients: 34. Only high quality variants are reported.

Mayo Clinic Laboratories, Mayo Clinic
Classification: Benign. Last evaluated: 2023-02-13. Review status: criteria provided, single submitter. Criteria: ACMG Guidelines, 2015. Collection method: clinical testing. Allele origin: germline. Observed: 135 variant alleles.
Comment: BA1

Fulgent Genetics
Classification: Benign for Purine-nucleoside phosphorylase deficiency. Last evaluated: 2021-12-14. Review status: criteria provided, single submitter. Criteria: ACMG Guidelines, 2015. Collection method: clinical testing. Allele origin: unknown.

Women's Health and Genetics/Laboratory Corporation of America, LabCorp
Classification: Likely benign. Last evaluated: 2021-12-03. Review status: criteria provided, single submitter. Criteria: LabCorp Variant Classification Summary - May 2015. Collection method: clinical testing. Allele origin: germline.

Genome-Nilou Lab
Classification: Benign for Purine-nucleoside phosphorylase deficiency. Last evaluated: 2021-10-25. Review status: criteria provided, single submitter. Criteria: ACMG Guidelines, 2015. Collection method: clinical testing. Allele origin: germline. Affected: no.

Illumina Laboratory Services, Illumina
Classification: Benign for Purine-nucleoside phosphorylase deficiency. Last evaluated: 2018-03-06. Review status: criteria provided, single submitter. Criteria: ICSL Variant Classification Criteria 13 December 2019. Collection method: clinical testing. Allele origin: germline.
Comment: This variant was observed in the ICSL laboratory as part of a predisposition screen in an ostensibly healthy population. It had not been previously curated by ICSL or reported in the Human Gene Mutation Database (HGMD: prior to June 1st, 2018), and was therefore a candidate for classification through an automated scoring system. Utilizing variant allele frequency, disease prevalence and penetrance estimates, and inheritance mode, an automated score was calculated to assess if this variant is too frequent to cause the disease. Based on the score and internal cut-off values, a variant classified as benign is not then subjected to further curation. The score for this variant resulted in a classification of benign for this disease.

Laboratory for Molecular Medicine, Mass General Brigham Personalized Medicine
Classification: Benign. Last evaluated: 2016-03-28. Review status: criteria provided, single submitter. Criteria: LMM Criteria. Collection method: clinical testing. Allele origin: germline.
Comment: Variant identified in a genome or exome case(s) and assessed due to predicted null impact of the variant or pathogenic assertions in the literature or databases. Disclaimer: This variant has not undergone full assessment. The following are preliminary notes: Frequency

GeneDx
Classification: Benign. Last evaluated: 2013-01-07. Review status: criteria provided, single submitter. Criteria: GeneDx Variant Classification (06012015). Collection method: clinical testing. Allele origin: germline. Affected: yes.
Comment: This variant is considered likely benign or benign based on one or more of the following criteria: it is a conservative change, it occurs at a poorly conserved position in the protein, it is predicted to be benign by multiple in silico algorithms, and/or has population frequency not consistent with disease.

Breakthrough Genomics
Classification: Likely benign. Review status: criteria provided, single submitter. Criteria: ACMG Guidelines, 2015. Collection method: not provided. Allele origin: germline. Inheritance: Autosomal recessive inheritance. Affected: yes.

OMIM
Classification: Benign for PNP POLYMORPHISM. Last evaluated: 1992-10-01. Review status: no assertion criteria provided. Collection method: literature only. Allele origin: germline. Not counted in ClinVar's aggregate classification.

Clinical Genetics, Academic Medical Center
Classification: Benign. Review status: no assertion criteria provided. Collection method: clinical testing. Allele origin: germline. Affected: yes. Study: VKGL Data-share Consensus. Not counted in ClinVar's aggregate classification.

Diagnostic Laboratory, Department of Genetics, University Medical Center Groningen
Classification: Benign for Purine-nucleoside phosphorylase deficiency. Review status: no assertion criteria provided. Collection method: clinical testing. Allele origin: germline. Affected: yes. Study: VKGL Data-share Consensus. Not counted in ClinVar's aggregate classification.

Literature cited by the submitters: PubMed 1384322 (cited by OMIM).

NM_000270.4(PNP):c.151G>A (p.Gly51Ser)

Gene: PNP (purine nucleoside phosphorylase; plus strand). Cytogenetic location: 14q11.2.
Variant type: single nucleotide variant.
Coding change: c.151G>A on transcript NM_000270.4 (MANE Select); coding-DNA position 151, G replaced by A.
Protein change: p.Gly51Ser; replaces glycine 51 with serine.
Molecular consequence: missense variant.
Genome position (GRCh38, 1-based): chr14:20,472,447, G>A. VCF-style: chr14-20472447-G-A. GRCh37 (hg19) VCF-style: chr14-20940606-G-A.
Other names: S51G; p.G51S:GGT>AGT; short protein forms G51S.
Identifiers: ClinVar variation 13992 (VCV000013992.27), dbSNP rs1049564, ClinGen allele CA123677.